The following is an entry in ClinVar:

ClinVar aggregate classification (germline): Likely benign (1 of 4 stars; one submission).

Allele frequency attached by ClinVar (database versions not stated): 1000 Genomes Project 30x 0.00109; 1000 Genomes Project 0.00120; ExAC 0.00228; TOPMed 0.00262; gnomAD 0.00275; ESP Exome Variant Server 0.00284.
gnomAD v4.1: 5,166 of 1,614,024 alleles (0.32%); highest among the groups gnomAD compares: Non-Finnish European, 0.39%; 14 homozygotes.

Submission:

CeGaT Center for Human Genetics Tuebingen
Classification: Likely benign. Last evaluated: 2022-12-01. Review status: criteria provided, single submitter. Criteria: CeGaT Center For Human Genetics Tuebingen Variant Classification Criteria Version 2. Collection method: clinical testing. Allele origin: germline. Affected: yes. Observed: 1 variant allele.
Comment: MMP17: BP4, BP7

NM_016155.7(MMP17):c.780C>T (p.Ala260=)

Gene: MMP17 (matrix metallopeptidase 17; plus strand). Cytogenetic location: 12q24.33.
Variant type: single nucleotide variant.
Coding change: c.780C>T on transcript NM_016155.7 (MANE Select); coding-DNA position 780, C replaced by T.
Protein change: p.Ala260=; no amino-acid change (alanine 260 retained).
Molecular consequence: synonymous variant. On other transcripts: non-coding transcript variant (2).
Genome position (GRCh38, 1-based): chr12:131,841,697, C>T. VCF-style: chr12-131841697-C-T. GRCh37 (hg19) VCF-style: chr12-132326242-C-T.
Other names: c.528C>T, p.Ala176= (NM_001411000.1).
Identifiers: ClinVar variation 2643608 (VCV002643608.24), dbSNP rs17854024, ClinGen allele CA6881846.